The following is an entry in ClinVar:

ClinVar aggregate classification (germline): Uncertain significance (1 of 4 stars; one submission).

Conditions:
Neuroblastoma, susceptibility to, 3. Also called: ALK-Related Neuroblastic Tumor Susceptibility. Identifiers: Orphanet 635, MedGen C2751681, MONDO:0013083, OMIM 613014.

Submission:

Labcorp Genetics (formerly Invitae), Labcorp
Classification: Uncertain significance for Neuroblastoma, susceptibility to, 3. Last evaluated: 2023-06-02. Review status: criteria provided, single submitter. Criteria: Invitae Variant Classification Sherloc (09022015). Collection method: clinical testing. Allele origin: germline.
Comment: This sequence change replaces histidine, which is basic and polar, with tyrosine, which is neutral and polar, at codon 983 of the ALK protein (p.His983Tyr). This variant is not present in population databases (gnomAD no frequency). This variant has not been reported in the literature in individuals affected with ALK-related conditions. An algorithm developed to predict the effect of missense changes on protein structure and function (PolyPhen-2) suggests that this variant is likely to be tolerated. In summary, the available evidence is currently insufficient to determine the role of this variant in disease. Therefore, it has been classified as a Variant of Uncertain Significance.

NM_004304.5(ALK):c.2947C>T (p.His983Tyr)

Gene: ALK (ALK receptor tyrosine kinase; minus strand). Cytogenetic location: 2p23.2.
Variant type: single nucleotide variant.
Coding change: c.2947C>T on transcript NM_004304.5 (MANE Select); coding-DNA position 2947, C replaced by T.
Protein change: p.His983Tyr; replaces histidine 983 with tyrosine.
Molecular consequence: missense variant.
Genome position (GRCh38, 1-based): chr2:29,227,042, G>A on the plus strand (C>T on the coding strand, the complement: ALK is on the minus strand). VCF-style: chr2-29227042-G-A. GRCh37 (hg19) VCF-style: chr2-29449908-G-A.
Other names: short protein forms H983Y.
Identifiers: ClinVar variation 2956011 (VCV002956011.3), dbSNP rs2148178646, ClinGen allele CA346467986.